The following is an entry in ClinVar:

NM_000203.5(IDUA):c.1658G>T (p.Arg553Leu)

Gene: IDUA (alpha-L-iduronidase; plus strand). Cytogenetic location: 4p16.3.
Variant type: single nucleotide variant.
Coding change: c.1658G>T on transcript NM_000203.5 (MANE Select); coding-DNA position 1658, G replaced by T.
Protein change: p.Arg553Leu; replaces arginine 553 with leucine.
Molecular consequence: missense variant. On other transcripts: non-coding transcript variant (1).
Genome position (GRCh38, 1-based): chr4:1,003,556, G>T. VCF-style: chr4-1003556-G-T. GRCh37 (hg19) VCF-style: chr4-997344-G-T.
Other names: c.1262G>T, p.Arg421Leu (NM_001363576.1); c.1658G>T (NM_000203.3); short protein forms R553L, R421L.
Identifiers: ClinVar variation 1987570 (VCV001987570.2), dbSNP rs746698197, ClinGen allele CA2802345.

ClinVar aggregate classification (germline): Uncertain significance. Review status: criteria provided, multiple submitters, no conflicts (2 of 4 stars). 2 submissions from 2 submitters: Uncertain significance (2). Last evaluated 2025-06-25.

Conditions:
Mucopolysaccharidosis type 1. Also called: IDUA deficiency; MPS I. Identifiers: Orphanet 579, MedGen C0023786, MONDO:0001586.
Inborn genetic diseases. Identifiers: MedGen C0950123, MeSH D030342.

Allele frequency attached by ClinVar (database versions not stated): ExAC 0.00001; gnomAD exomes 0.00001.
gnomAD v4.1: 20 of 1,611,940 alleles (0.0012%); highest among the groups gnomAD compares: Non-Finnish European, 0.0016%; no homozygotes.

Submissions (2):

Ambry Genetics
Classification: Uncertain significance for Inborn genetic diseases. Last evaluated: 2025-06-25. Review status: criteria provided, single submitter. Criteria: Ambry Variant Classification Scheme 2023. Collection method: clinical testing. Allele origin: germline.

Labcorp Genetics (formerly Invitae), Labcorp
Classification: Uncertain significance for Mucopolysaccharidosis type 1. Last evaluated: 2022-09-19. Review status: criteria provided, single submitter. Criteria: Invitae Variant Classification Sherloc (09022015). Collection method: clinical testing. Allele origin: germline.
Comment: This sequence change replaces arginine, which is basic and polar, with leucine, which is neutral and non-polar, at codon 553 of the IDUA protein (p.Arg553Leu). The frequency data for this variant in the population databases is considered unreliable, as metrics indicate poor data quality at this position in the gnomAD database. This variant has not been reported in the literature in individuals affected with IDUA-related conditions. Advanced modeling of protein sequence and biophysical properties (such as structural, functional, and spatial information, amino acid conservation, physicochemical variation, residue mobility, and thermodynamic stability) has been performed at Invitae for this missense variant, however the output from this modeling did not meet the statistical confidence thresholds required to predict the impact of this variant on IDUA protein function. In summary, the available evidence is currently insufficient to determine the role of this variant in disease. Therefore, it has been classified as a Variant of Uncertain Significance.